The following is an entry in ClinVar:

ClinVar aggregate classification (germline): Uncertain significance (1 of 4 stars; one submission).

Conditions:
Vici syndrome (VICIS). Identifiers: Orphanet 1493, MedGen C1855772, MONDO:0009452, OMIM 242840.

Allele frequency attached by ClinVar (database versions not stated): gnomAD exomes below 0.00001.
gnomAD v4.1: 1 of 1,614,136 alleles (0.000062%); highest among the groups gnomAD compares: Admixed American, 0.0017%; no homozygotes.

Submission:

Labcorp Genetics (formerly Invitae), Labcorp
Classification: Uncertain significance for Vici syndrome. Last evaluated: 2022-08-09. Review status: criteria provided, single submitter. Criteria: Invitae Variant Classification Sherloc (09022015). Collection method: clinical testing. Allele origin: germline.
Comment: This sequence change replaces leucine, which is neutral and non-polar, with phenylalanine, which is neutral and non-polar, at codon 1349 of the EPG5 protein (p.Leu1349Phe). This variant is present in population databases (no rsID available, gnomAD 0.003%). This variant has not been reported in the literature in individuals affected with EPG5-related conditions. ClinVar contains an entry for this variant (Variation ID: 1483686). Algorithms developed to predict the effect of missense changes on protein structure and function are either unavailable or do not agree on the potential impact of this missense change (SIFT: "Deleterious"; PolyPhen-2: "Probably Damaging"; Align-GVGD: "Class C0"). Algorithms developed to predict the effect of sequence changes on RNA splicing suggest that this variant may create or strengthen a splice site. In summary, the available evidence is currently insufficient to determine the role of this variant in disease. Therefore, it has been classified as a Variant of Uncertain Significance.

NM_020964.3(EPG5):c.4047G>T (p.Leu1349Phe)

Gene: EPG5 (ectopic P-granules 5 autophagy tethering factor; minus strand). Cytogenetic location: 18q21.1.
Variant type: single nucleotide variant.
Coding change: c.4047G>T on transcript NM_020964.3 (MANE Select); coding-DNA position 4047, G replaced by T.
Protein change: p.Leu1349Phe; replaces leucine 1349 with phenylalanine.
Molecular consequence: missense variant.
Genome position (GRCh38, 1-based): chr18:45,910,679, C>A on the plus strand (G>T on the coding strand, the complement: EPG5 is on the minus strand). VCF-style: chr18-45910679-C-A. GRCh37 (hg19) VCF-style: chr18-43490644-C-A.
Other names: short protein forms L1349F.
Identifiers: ClinVar variation 1483686 (VCV001483686.6), dbSNP rs1353924182, ClinGen allele CA402340193.